The following is an entry in ClinVar:

ClinVar aggregate classification (germline): Uncertain significance (1 of 4 stars; one submission).

Conditions:
Hereditary cancer-predisposing syndrome. Also called: Hereditary Cancer Syndrome; Hereditary neoplastic syndrome; Neoplastic Syndromes, Hereditary; Tumor predisposition. Identifiers: Orphanet 140162, MedGen C0027672, MeSH D009386, MONDO:0015356.

Allele frequency attached by ClinVar (database versions not stated): gnomAD 0.00001; TOPMed 0.00001.

Submission:

Sema4
Classification: Uncertain significance for Hereditary cancer-predisposing syndrome. Last evaluated: 2021-12-15. Review status: criteria provided, single submitter. Criteria: Sema4 Curation Guidelines. Collection method: curation. Allele origin: germline.
Comment: The POT1 c.-412+10A>G variant has not been reported in the literature to our knowledge. This variant was observed in 1/15422 chromosomes in the Non-Finnish European population according to the Genome Aggregation Database (PMID: 32461654). This variant has not been reported in ClinVar. Experimental studies and predictions by in silico tools are not available, and the functional significance of this variant is currently unknown. Based on the available evidence, the variant was classified as likely pathogenic/a variant of uncertain significance.

NM_015450.3(POT1):c.-412+10A>G

Genes: POT1 (protection of telomeres 1; minus strand), LOC113687193 (Sharpr-MPRA regulatory region 5954; plus strand). Cytogenetic location: 7q31.33.
Variant type: single nucleotide variant.
Coding change: c.-412+10A>G on transcript NM_015450.3 (MANE Select); 10 bases into the intron after 412 bases upstream of the start codon, A replaced by G.
Molecular consequence: intron variant.
Genome position (GRCh38, 1-based): chr7:124,929,784, T>C on the plus strand (A>G on the coding strand, the complement: POT1 is on the minus strand). VCF-style: chr7-124929784-T-C. GRCh37 (hg19) VCF-style: chr7-124569838-T-C.
Other names: c.-674+10A>G (NM_001042594.2).
Identifiers: ClinVar variation 1691879 (VCV001691879.1), dbSNP rs1439393784, ClinGen allele CA577674140.